The following is an entry in ClinVar:

ClinVar aggregate classification (germline): Pathogenic/Likely pathogenic. Review status: criteria provided, multiple submitters, no conflicts (2 of 4 stars). 4 submissions from 4 submitters: Pathogenic (3); Likely pathogenic (1). Last evaluated 2023-01-28.

Conditions:
Aplastic anemia. Identifiers: Orphanet 182040, Orphanet 88, MedGen C0002874, MONDO:0015909, OMIM 609135, HP:0001915.
Microcephaly, normal intelligence and immunodeficiency (NBS). Also called: Immunodeficiency, microcephaly with normal intelligence; IMMUNODEFICIENCY, MICROCEPHALY, AND CHROMOSOMAL INSTABILITY; BERLIN BREAKAGE SYNDROME; SEEMANOVA SYNDROME II; Ataxia telangiectasia variant V1; Nijmegen breakage syndrome. Identifiers: Orphanet 647, MedGen C0398791, MONDO:0009623, OMIM 251260.

Submissions (4):

Labcorp Genetics (formerly Invitae), Labcorp
Classification: Pathogenic for Microcephaly, normal intelligence and immunodeficiency. Last evaluated: 2023-01-28. Review status: criteria provided, single submitter. Criteria: Invitae Variant Classification Sherloc (09022015). Collection method: clinical testing. Allele origin: germline.
Comment: For these reasons, this variant has been classified as Pathogenic. This variant is not present in population databases (gnomAD no frequency). ClinVar contains an entry for this variant (Variation ID: 545874). This variant has not been reported in the literature in individuals affected with NBN-related conditions. This sequence change creates a premature translational stop signal (p.Pro325Leufs*9) in the NBN gene. It is expected to result in an absent or disrupted protein product. Loss-of-function variants in NBN are known to be pathogenic (PMID: 9590180, 16415040).

Baylor Genetics
Classification: Pathogenic for Aplastic anemia. Last evaluated: 2022-10-26. Review status: criteria provided, single submitter. Criteria: ACMG Guidelines, 2015. Collection method: clinical testing. Allele origin: unknown.

GeneDx
Classification: Likely pathogenic. Last evaluated: 2021-11-18. Review status: criteria provided, single submitter. Criteria: GeneDx Variant Classification Process June 2021. Collection method: clinical testing. Allele origin: germline. Affected: yes.
Comment: Frameshift variant predicted to result in protein truncation or nonsense mediated decay in a gene for which loss-of-function is a known mechanism of disease; Not observed at significant frequency in large population cohorts (Lek et al., 2016); Has not been previously published as pathogenic or benign to our knowledge

Genome-Nilou Lab
Classification: Pathogenic for Microcephaly, normal intelligence and immunodeficiency. Last evaluated: 2021-11-07. Review status: criteria provided, single submitter. Criteria: ACMG Guidelines, 2015. Collection method: clinical testing. Allele origin: germline. Affected: no.

Literature cited by the submitters: PubMed 9590180 (cited by Labcorp Genetics (formerly Invitae), Labcorp); PubMed 16415040 (cited by Labcorp Genetics (formerly Invitae), Labcorp).

NM_002485.5(NBN):c.974del (p.Pro325fs)

Gene: NBN (nibrin; minus strand). Cytogenetic location: 8q21.3.
Variant type: Deletion.
Coding change: c.974del on transcript NM_002485.5 (MANE Select); coding-DNA position 974, one base deleted (C; older notation c.974delC).
Protein change: p.Pro325fs; shifts the reading frame from proline 325.
Molecular consequence: frameshift variant.
Genome position (GRCh38, 1-based): chr8:89,964,430, G deleted on the plus strand (C on the coding strand, the reverse complement: NBN is on the minus strand); the first of 2 consecutive G bases (chr8:89,964,430-89,964,431); deleting either gives the same sequence. VCF-style (leftmost placement, unchanged base first): chr8-89964429-AG-A. GRCh37 (hg19) VCF-style: chr8-90976657-AG-A.
Other names: c.974delC (NM_002485.4); c.728del, p.Pro243fs (NM_001024688.3); short protein forms P243fs, P325fs.
Identifiers: ClinVar variation 545874 (VCV000545874.13), dbSNP rs1554562110, ClinGen allele CA658823269.